The following is an entry in ClinVar:

NM_001142864.4(PIEZO1):c.5632A>G (p.Lys1878Glu)

Gene: PIEZO1 (piezo type mechanosensitive ion channel component 1 (Er blood group); minus strand). Cytogenetic location: 16q24.3.
Variant type: single nucleotide variant.
Coding change: c.5632A>G on transcript NM_001142864.4 (MANE Select); coding-DNA position 5632, A replaced by G.
Protein change: p.Lys1878Glu; replaces lysine 1878 with glutamic acid.
Molecular consequence: missense variant.
Genome position (GRCh38, 1-based): chr16:88,721,202, T>C on the plus strand (A>G on the coding strand, the complement: PIEZO1 is on the minus strand). VCF-style: chr16-88721202-T-C. GRCh37 (hg19) VCF-style: chr16-88787610-T-C.
Other names: p.Lys1878Glu; c.4174A>G, p.Lys1392Glu (NM_014745.1); short protein forms K1392E, K1878E.
Identifiers: ClinVar variation 2728146 (VCV002728146.6), dbSNP rs113773794, ClinGen allele CA8231832.

ClinVar aggregate classification (germline): Benign/Likely benign. Review status: criteria provided, multiple submitters, no conflicts (2 of 4 stars). 4 submissions from 4 submitters: Benign (1); Likely benign (3). Last evaluated 2025-10-01.

Allele frequency attached by ClinVar (database versions not stated): 1000 Genomes Project 0.00100; ExAC 0.00360.
gnomAD v4.1: 436 of 704,218 alleles (0.062%); highest among the groups gnomAD compares: South Asian, 0.87%; 4 homozygotes.

Submissions (4):

Labcorp Genetics (formerly Invitae), Labcorp
Classification: Benign. Last evaluated: 2025-10-01. Review status: criteria provided, single submitter. Criteria: Invitae Variant Classification Sherloc (09022015). Collection method: clinical testing. Allele origin: germline.

Mayo Clinic Laboratories, Mayo Clinic
Classification: Likely benign. Last evaluated: 2025-10-01. Review status: criteria provided, single submitter. Criteria: ACMG Guidelines, 2015. Collection method: clinical testing. Allele origin: germline. Observed: 331 variant alleles.
Comment: BS2, BP4

ARUP Laboratories, Molecular Genetics and Genomics, ARUP Laboratories
Classification: Likely benign. Last evaluated: 2024-09-17. Review status: criteria provided, single submitter. Criteria: ARUP Molecular Germline Variant Investigation Process 2024. Collection method: clinical testing. Allele origin: germline.

Blueprint Genetics
Classification: Likely benign. Last evaluated: 2024-07-08. Review status: criteria provided, single submitter. Criteria: ACMG Guidelines, 2015. Collection method: clinical testing. Allele origin: germline.